The following is an entry in ClinVar:

NM_001818.5(AKR1C4):c.426G>A (p.Val142=)

Gene: AKR1C4 (aldo-keto reductase family 1 member C4; plus strand). Cytogenetic location: 10p15.1.
Variant type: single nucleotide variant.
Coding change: c.426G>A on transcript NM_001818.5 (MANE Select); coding-DNA position 426, G replaced by A.
Protein change: p.Val142=; no amino-acid change (valine 142 retained).
Molecular consequence: synonymous variant.
Genome position (GRCh38, 1-based): chr10:5,205,813, G>A. VCF-style: chr10-5205813-G-A. GRCh37 (hg19) VCF-style: chr10-5247776-G-A.
Identifiers: ClinVar variation 4989400 (VCV004989400.1).

ClinVar aggregate classification (germline): Uncertain significance (1 of 4 stars; one submission).

Conditions:
AKR1C4-related disorder. Also called: AKR1C4-related condition.

gnomAD v4.1: 37 of 1,613,156 alleles (0.0023%); highest among the groups gnomAD compares: Non-Finnish European, 0.0031%; no homozygotes.

Submission:

PreventionGenetics, part of Exact Sciences
Classification: Uncertain significance for AKR1C4-related condition. Last evaluated: 2025-01-02. Review status: criteria provided, single submitter. Criteria: ACMG Guidelines, 2015. Collection method: clinical testing. Allele origin: germline.
Comment: The AKR1C4 c.426G>A variant is not predicted to result in an amino acid change (p.=). To our knowledge, this variant has not been reported in the literature. This variant is predicted to impact splicing based on splicing prediction programs (SpliceAI, Jaganathan K, et al. 2019. PubMed ID: 30661751). However, the use of computer prediction programs is not equivalent to functional evidence. This variant is reported in 0.0031% of alleles in individuals of European (Non-Finnish) descent in gnomAD. At this time, the clinical significance of this variant is uncertain due to the absence of conclusive functional and genetic evidence.